The following is an entry in ClinVar:

ClinVar aggregate classification (germline): Likely benign. Review status: criteria provided, multiple submitters, no conflicts (2 of 4 stars). 4 submissions from 4 submitters: Likely benign (3). 1 of the submissions does not count toward it. Last evaluated 2025-12-16.

Conditions:
Inborn genetic diseases. Identifiers: MedGen C0950123, MeSH D030342.
SRCAP-related disorder. Also called: SRCAP-related condition.

Allele frequency attached by ClinVar (database versions not stated): gnomAD exomes 0.00005 and 0.00020; ESP Exome Variant Server 0.00008; gnomAD 0.00011 and 0.00012; ExAC 0.00013; 1000 Genomes Project 30x 0.00016; TOPMed 0.00019; 1000 Genomes Project 0.00020.

Submissions (4):

Labcorp Genetics (formerly Invitae), Labcorp
Classification: Likely benign. Last evaluated: 2025-12-16. Review status: criteria provided, single submitter. Criteria: Invitae Variant Classification Sherloc (09022015). Collection method: clinical testing. Allele origin: germline.

Ambry Genetics
Classification: Likely benign for Inborn genetic diseases. Last evaluated: 2021-07-09. Review status: criteria provided, single submitter. Criteria: Ambry Variant Classification Scheme 2023. Collection method: clinical testing. Allele origin: germline.

Breakthrough Genomics
Classification: Likely benign. Review status: criteria provided, single submitter. Criteria: ACMG Guidelines, 2015. Collection method: not provided. Allele origin: germline. Inheritance: Autosomal dominant inheritance. Affected: yes.

PreventionGenetics, part of Exact Sciences
Classification: Likely benign for SRCAP-related condition. Last evaluated: 2023-05-15. Review status: no assertion criteria provided. Collection method: clinical testing. Allele origin: germline. Not counted in ClinVar's aggregate classification.
Comment: This variant is classified as likely benign based on ACMG/AMP sequence variant interpretation guidelines (Richards et al. 2015 PMID: 25741868, with internal and published modifications).

NM_006662.3(SRCAP):c.3176C>T (p.Pro1059Leu)

Gene: SRCAP (Snf2 related CREBBP activator protein; plus strand). Cytogenetic location: 16p11.2.
Variant type: single nucleotide variant.
Coding change: c.3176C>T on transcript NM_006662.3 (MANE Select); coding-DNA position 3176, C replaced by T.
Protein change: p.Pro1059Leu; replaces proline 1059 with leucine.
Molecular consequence: missense variant.
Genome position (GRCh38, 1-based): chr16:30,720,901, C>T. VCF-style: chr16-30720901-C-T. GRCh37 (hg19) VCF-style: chr16-30732222-C-T.
Other names: short protein forms P1059L.
Identifiers: ClinVar variation 725848 (VCV000725848.14), dbSNP rs201831987, ClinGen allele CA8011423.